The following is an entry in ClinVar:

NM_020247.5(COQ8A):c.656-1328T>G

Gene: COQ8A (coenzyme Q8A; plus strand). Cytogenetic location: 1q42.13.
Variant type: single nucleotide variant.
Coding change: c.656-1328T>G on transcript NM_020247.5 (MANE Select); 1328 bases into the intron before coding-DNA position 656, T replaced by G.
Molecular consequence: intron variant.
Genome position (GRCh38, 1-based): chr1:226,976,121, T>G. VCF-style: chr1-226976121-T-G. GRCh37 (hg19) VCF-style: chr1-227163822-T-G.
Identifiers: ClinVar variation 1694546 (VCV001694546.31), dbSNP rs2989948, ClinGen allele CA38638439.

ClinVar aggregate classification (germline): Benign (1 of 4 stars; one submission).

Allele frequency attached by ClinVar (database versions not stated): gnomAD 0.00304.
gnomAD v4.1: 404 of 134,380 alleles (0.3%); highest among the groups gnomAD compares: Admixed American, 0.42%; 12 homozygotes.

Submission:

CeGaT Center for Human Genetics Tuebingen
Classification: Benign. Last evaluated: 2022-06-01. Review status: criteria provided, single submitter. Criteria: CeGaT Center For Human Genetics Tuebingen Variant Classification Criteria Version 2. Collection method: clinical testing. Allele origin: germline. Affected: yes. Observed: 2 variant alleles.
Comment: COQ8A: BS1, BS2